The following is an entry in ClinVar:

ClinVar aggregate classification (germline): Uncertain significance. Review status: criteria provided, multiple submitters, no conflicts (2 of 4 stars). 3 submissions from 3 submitters: Uncertain significance (3). Last evaluated 2025-02-04.

Conditions:
Inborn genetic diseases. Identifiers: MedGen C0950123, MeSH D030342.
Fanconi anemia (FA). Also called: Fanconi's anemia. Identifiers: Orphanet 84, MedGen C0015625, MeSH D005199, MONDO:0019391.

Allele frequency attached by ClinVar (database versions not stated): gnomAD exomes below 0.00001; TOPMed 0.00001.
gnomAD v4.1: 6 of 1,613,202 alleles (0.00037%); highest among the groups gnomAD compares: African/African-American, 0.0027%; no homozygotes.

Submissions (3):

GeneDx
Classification: Uncertain significance. Last evaluated: 2025-02-04. Review status: criteria provided, single submitter. Criteria: GeneDx Variant Classification Process June 2021. Collection method: clinical testing. Allele origin: germline. Affected: yes.
Comment: Not observed at significant frequency in large population cohorts (gnomAD); In silico analysis supports that this missense variant has a deleterious effect on protein structure/function; Has not been previously published as pathogenic or benign to our knowledge

Ambry Genetics
Classification: Uncertain significance for Inborn genetic diseases. Last evaluated: 2025-01-31. Review status: criteria provided, single submitter. Criteria: Ambry Variant Classification Scheme 2023. Collection method: clinical testing. Allele origin: germline.
Comment: The p.V30F variant (also known as c.88G>T), located in coding exon 2 of the FANCA gene, results from a G to T substitution at nucleotide position 88. The valine at codon 30 is replaced by phenylalanine, an amino acid with highly similar properties. This amino acid position is conserved. In addition, the in silico prediction for this alteration is inconclusive. Based on the available evidence, the clinical significance of this variant remains unclear.

Labcorp Genetics (formerly Invitae), Labcorp
Classification: Uncertain significance for Fanconi anemia. Last evaluated: 2021-09-01. Review status: criteria provided, single submitter. Criteria: Invitae Variant Classification Sherloc (09022015). Collection method: clinical testing. Allele origin: germline.
Comment: This sequence change replaces valine with phenylalanine at codon 30 of the FANCA protein (p.Val30Phe). The valine residue is weakly conserved and there is a small physicochemical difference between valine and phenylalanine. This variant is not present in population databases (ExAC no frequency). This variant has not been reported in the literature in individuals affected with FANCA-related conditions. Algorithms developed to predict the effect of missense changes on protein structure and function (SIFT, PolyPhen-2, Align-GVGD) all suggest that this variant is likely to be tolerated. Algorithms developed to predict the effect of sequence changes on RNA splicing suggest that this variant may create or strengthen a splice site. In summary, the available evidence is currently insufficient to determine the role of this variant in disease. Therefore, it has been classified as a Variant of Uncertain Significance.

NM_000135.4(FANCA):c.88G>T (p.Val30Phe)

Gene: FANCA (FA complementation group A; minus strand). Cytogenetic location: 16q24.3.
Variant type: single nucleotide variant.
Coding change: c.88G>T on transcript NM_000135.4 (MANE Select); coding-DNA position 88, G replaced by T.
Protein change: p.Val30Phe; replaces valine 30 with phenylalanine.
Molecular consequence: missense variant.
Genome position (GRCh38, 1-based): chr16:89,815,978, C>A on the plus strand (G>T on the coding strand, the complement: FANCA is on the minus strand). VCF-style: chr16-89815978-C-A. GRCh37 (hg19) VCF-style: chr16-89882386-C-A.
Other names: c.88G>T, p.Val30Phe (NM_001018112.3, NM_001286167.3, NM_001351830.2); short protein forms V30F.
Identifiers: ClinVar variation 836304 (VCV000836304.6), dbSNP rs1160471115, ClinGen allele CA397483774.
Genomic context (GRCh38, chr16:89,815,978, plus strand): 5'-GGCGCACAGCTGATTCCTTTAATTTCTGTGCCCTTTCAGGATTATATTTTTCCCTCTTGA[C>A]CCTTCCCGCTACGGAGAGAAGTCGGTTCGAAACCATCACAGCACAATTCACACACGGGGT-3'
Protein context (NP_000126.2, residues 20-40): RAWAELLAGR[Val30Phe]KREKYNPERA